The following is an entry in ClinVar:

NM_004370.6(COL12A1):c.8078A>T (p.Lys2693Ile)

Gene: COL12A1 (collagen type XII alpha 1 chain; minus strand). Cytogenetic location: 6q13.
Variant type: single nucleotide variant.
Coding change: c.8078A>T on transcript NM_004370.6 (MANE Select); coding-DNA position 8078, A replaced by T.
Protein change: p.Lys2693Ile; replaces lysine 2693 with isoleucine.
Molecular consequence: missense variant.
Genome position (GRCh38, 1-based): chr6:75,109,040, T>A on the plus strand (A>T on the coding strand, the complement: COL12A1 is on the minus strand). VCF-style: chr6-75109040-T-A. GRCh37 (hg19) VCF-style: chr6-75818756-T-A.
Other names: c.8078A>T, p.Lys2693Ile (NM_001424113.1); c.8057A>T, p.Lys2686Ile (NM_001424114.1); c.7805A>T, p.Lys2602Ile (NM_001424115.1); c.4586A>T, p.Lys1529Ile (NM_001424116.1, NM_080645.3); short protein forms K1529I, K2602I, K2686I, K2693I.
Identifiers: ClinVar variation 4688267 (VCV004688267.1).

ClinVar aggregate classification (germline): Uncertain significance (1 of 4 stars; one submission).

Submission:

Women's Health and Genetics/Laboratory Corporation of America, LabCorp
Classification: Uncertain significance. Last evaluated: 2025-12-16. Review status: criteria provided, single submitter. Criteria: LabCorp Variant Classification Summary - May 2015. Collection method: clinical testing. Allele origin: germline.
Comment: Variant summary: COL12A1 c.8078A>T (p.Lys2693Ile) results in a non-conservative amino acid change in the encoded protein sequence. Algorithms developed to predict the effect of missense changes on protein structure and function all suggest that this variant is likely to be disruptive. The variant was absent in 247556 control chromosomes. The available data on variant occurrences in the general population are insufficient to allow any conclusion about variant significance. To our knowledge, no occurrence of c.8078A>T in individuals affected with COL12A1-related conditions and no experimental evidence demonstrating its impact on protein function have been reported. No submitters have cited clinical-significance assessments for this variant to ClinVar. Based on the evidence outlined above, the variant was classified as uncertain significance.